The following is an entry in ClinVar:

NM_020975.6(RET):c.295C>T (p.Arg99Trp)

Gene: RET (ret proto-oncogene; plus strand). Cytogenetic location: 10q11.21.
Variant type: single nucleotide variant.
Coding change: c.295C>T on transcript NM_020975.6 (MANE Select); coding-DNA position 295, C replaced by T.
Protein change: p.Arg99Trp; replaces arginine 99 with tryptophan.
Molecular consequence: missense variant.
Genome position (GRCh38, 1-based): chr10:43,100,680, C>T. VCF-style: chr10-43100680-C-T. GRCh37 (hg19) VCF-style: chr10-43596128-C-T.
Other names: c.295C>T, p.Arg99Trp (NM_001406779.1, NM_001406780.1, NM_001406781.1 and 34 more transcripts); short protein forms R99W.
Identifiers: ClinVar variation 486331 (VCV000486331.17), dbSNP rs1333641674, ClinGen allele CA376770511.

ClinVar aggregate classification (germline): Uncertain significance. Review status: criteria provided, multiple submitters, no conflicts (2 of 4 stars). 2 submissions from 2 submitters: Uncertain significance (2). Last evaluated 2025-03-03.

Conditions:
Hereditary cancer-predisposing syndrome. Also called: Tumor predisposition; Hereditary Cancer Syndrome; Hereditary neoplastic syndrome; Neoplastic Syndromes, Hereditary. Identifiers: Orphanet 140162, MedGen C0027672, MeSH D009386, MONDO:0015356.
Multiple endocrine neoplasia, type 2 (MEN2). Identifiers: Orphanet 653, MedGen C4048306, MONDO:0019003. Disease mechanism: gain of function.

Allele frequency attached by ClinVar (database versions not stated): gnomAD exomes below 0.00001; TOPMed below 0.00001.
gnomAD v4.1: 3 of 1,609,718 alleles (0.00019%); highest among the groups gnomAD compares: Non-Finnish European, 0.00017%; no homozygotes.

Submissions (2):

Ambry Genetics
Classification: Uncertain significance for Hereditary cancer-predisposing syndrome. Last evaluated: 2025-03-03. Review status: criteria provided, single submitter. Criteria: Ambry Variant Classification Scheme 2023. Collection method: clinical testing. Allele origin: germline.
Comment: The p.R99W variant (also known as c.295C>T), located in coding exon 2 of the RET gene, results from a C to T substitution at nucleotide position 295. The arginine at codon 99 is replaced by tryptophan, an amino acid with dissimilar properties. This variant has been reported in individuals with Hirschsprung disease (Tang CS et al. Gastroenterology. 2018 Dec;155:1908-1922.e5; Ambry internal data). This amino acid position is poorly conserved in available vertebrate species. In addition, this alteration is predicted to be tolerated by in silico analysis. Based on the available evidence, the clinical significance of this variant remains unclear.

Labcorp Genetics (formerly Invitae), Labcorp
Classification: Uncertain significance for Multiple endocrine neoplasia, type 2. Last evaluated: 2022-12-10. Review status: criteria provided, single submitter. Criteria: Invitae Variant Classification Sherloc (09022015). Collection method: clinical testing. Allele origin: germline.
Comment: In summary, the available evidence is currently insufficient to determine the role of this variant in disease. Therefore, it has been classified as a Variant of Uncertain Significance. Algorithms developed to predict the effect of missense changes on protein structure and function output the following: SIFT: "Deleterious"; PolyPhen-2: "Possibly Damaging"; Align-GVGD: "Class C0". The tryptophan amino acid residue is found in multiple mammalian species, which suggests that this missense change does not adversely affect protein function. ClinVar contains an entry for this variant (Variation ID: 486331). This missense change has been observed in individual(s) with Hirschsprung disease (PMID: 30217742). The frequency data for this variant in the population databases is considered unreliable, as metrics indicate poor data quality at this position in the gnomAD database. This sequence change replaces arginine, which is basic and polar, with tryptophan, which is neutral and slightly polar, at codon 99 of the RET protein (p.Arg99Trp).

Literature cited by the submitters: PubMed 30217742 (cited by Ambry Genetics and Labcorp Genetics (formerly Invitae), Labcorp).